The following is an entry in ClinVar:

ClinVar aggregate classification (germline): Likely pathogenic (1 of 4 stars; one submission).

Conditions:
Woodhouse-Sakati syndrome. Also called: EXTRAPYRAMIDAL DISORDER, PROGRESSIVE, WITH PRIMARY HYPOGONADISM, MENTAL RETARDATION, AND ALOPECIA; Hypogonadism, Alopecia, Diabetes Mellitus, Mental Retardation, and Extrapyramidal Syndrome; Hypogonadism, diabetes mellitus, alopecia, mental retardation and electrocardiographic abnormalities. Identifiers: Orphanet 3464, MedGen C0342286, MONDO:0009419, OMIM 241080.

Submission:

Labcorp Genetics (formerly Invitae), Labcorp
Classification: Likely pathogenic for Woodhouse-Sakati syndrome. Last evaluated: 2022-05-25. Review status: criteria provided, single submitter. Criteria: Invitae Variant Classification Sherloc (09022015). Collection method: clinical testing. Allele origin: germline.
Comment: This variant is not present in population databases (gnomAD no frequency). This variant has not been reported in the literature in individuals affected with DCAF17-related conditions. Algorithms developed to predict the effect of sequence changes on RNA splicing suggest that this variant may disrupt the consensus splice site. In summary, the currently available evidence indicates that the variant is pathogenic, but additional data are needed to prove that conclusively. Therefore, this variant has been classified as Likely Pathogenic. This sequence change affects an acceptor splice site in intron 12 of the DCAF17 gene. It is expected to disrupt RNA splicing. Variants that disrupt the donor or acceptor splice site typically lead to a loss of protein function (PMID: 16199547), and loss-of-function variants in DCAF17 are known to be pathogenic (PMID: 19026396, 20507343).

Literature cited by the submitters: PubMed 16199547; PubMed 19026396; PubMed 20507343.

NM_025000.4(DCAF17):c.1267-2A>C

Gene: DCAF17 (DDB1 and CUL4 associated factor 17; plus strand). Cytogenetic location: 2q31.1.
Variant type: single nucleotide variant.
Coding change: c.1267-2A>C on transcript NM_025000.4 (MANE Select); the canonical splice acceptor site of the intron before coding-DNA position 1267, A replaced by C.
Molecular consequence: splice acceptor variant.
Genome position (GRCh38, 1-based): chr2:171,480,036, A>C. VCF-style: chr2-171480036-A-C. GRCh37 (hg19) VCF-style: chr2-172336546-A-C.
Other names: c.1066-2A>C (NM_001164821.2).
Identifiers: ClinVar variation 1998618 (VCV001998618.4), dbSNP rs2529807772, ClinGen allele CA349279375.